The following is an entry in ClinVar:

ClinVar aggregate classification (germline): Uncertain significance (1 of 4 stars; one submission).

gnomAD v4.1: 3 of 1,613,436 alleles (0.00019%); highest among the groups gnomAD compares: Non-Finnish European, 0.00025%; no homozygotes.

Submission:

Women's Health and Genetics/Laboratory Corporation of America, LabCorp
Classification: Uncertain significance. Last evaluated: 2025-05-05. Review status: criteria provided, single submitter. Criteria: LabCorp Variant Classification Summary - May 2015. Collection method: clinical testing. Allele origin: germline.
Comment: Variant summary: TTN c.9142A>G (p.Thr3048Ala) results in a non-conservative amino acid change in the encoded protein sequence. Algorithms developed to predict the effect of missense changes on protein structure and function are either unavailable or do not agree on the potential impact of this missense change. The variant allele was found at a frequency of 1.9e-06 in 1613436 control chromosomes. The available data on variant occurrences in the general population are insufficient to allow any conclusion about variant significance. To our knowledge, no occurrence of c.9142A>G in individuals affected with TTN-related conditions and no experimental evidence demonstrating its impact on protein function have been reported. No submitters have cited clinical-significance assessments for this variant to ClinVar. Based on the evidence outlined above, the variant was classified as uncertain significance.

NM_001267550.2(TTN):c.9142A>G (p.Thr3048Ala)

Gene: TTN (titin; minus strand). Cytogenetic location: 2q31.2.
Variant type: single nucleotide variant.
Coding change: c.9142A>G on transcript NM_001267550.2 (MANE Select); coding-DNA position 9142, A replaced by G.
Protein change: p.Thr3048Ala; replaces threonine 3048 with alanine.
Molecular consequence: missense variant.
Genome position (GRCh38, 1-based): chr2:178,768,694, T>C on the plus strand (A>G on the coding strand, the complement: TTN is on the minus strand). VCF-style: chr2-178768694-T-C. GRCh37 (hg19) VCF-style: chr2-179633421-T-C.
Other names: c.9142A>G, p.Thr3048Ala (NM_001256850.1, NM_133378.4, NM_133379.5); c.9004A>G, p.Thr3002Ala (NM_003319.4, NM_133432.3, NM_133437.4); short protein forms T3002A, T3048A.
Identifiers: ClinVar variation 3902496 (VCV003902496.1).